The following is an entry in ClinVar:

ClinVar aggregate classification (germline): Likely pathogenic (1 of 4 stars; one submission).

gnomAD v4.1: 9 of 1,607,860 alleles (0.00056%); highest among the groups gnomAD compares: South Asian, 0.0011%; no homozygotes.

Submission:

Labcorp Genetics (formerly Invitae), Labcorp
Classification: Likely pathogenic. Last evaluated: 2025-08-11. Review status: criteria provided, single submitter. Criteria: Invitae Variant Classification Sherloc (09022015). Collection method: clinical testing. Allele origin: germline.
Comment: This sequence change creates a premature translational stop signal (p.Arg1795*) in the MYO5B gene. While this is not anticipated to result in nonsense mediated decay, it is expected to disrupt the last 54 amino acid(s) of the MYO5B protein. This variant is present in population databases (no rsID available, gnomAD 0.003%). This premature translational stop signal has been observed in individual(s) with microvillus inclusion disease (PMID: 18724368, 25547668, 31130284; internal data). ClinVar contains an entry for this variant (Variation ID: 1386055). Algorithms developed to predict the effect of variants on gene product structure and function are not available or were not evaluated for this variant. Experimental studies are conflicting or provide insufficient evidence to determine the effect of this variant on MYO5B function (PMID: 31750554). In summary, the currently available evidence indicates that the variant is pathogenic, but additional data are needed to prove that conclusively. Therefore, this variant has been classified as Likely Pathogenic.

Literature cited by the submitters: PubMed 18724368; PubMed 25547668; PubMed 31130284; PubMed 31750554.

NM_001080467.3(MYO5B):c.5383C>T (p.Arg1795Ter)

Genes: MYO5B (myosin VB; minus strand), SNHG22 (small nucleolar RNA host gene 22; plus strand). Cytogenetic location: 18q21.1.
Variant type: single nucleotide variant.
Coding change: c.5383C>T on transcript NM_001080467.3 (MANE Select); coding-DNA position 5383, C replaced by T.
Protein change: p.Arg1795Ter; replaces arginine 1795 with a stop codon.
Molecular consequence: nonsense.
Genome position (GRCh38, 1-based): chr18:49,835,355, G>A on the plus strand (C>T on the coding strand, the complement: MYO5B is on the minus strand). VCF-style: chr18-49835355-G-A. GRCh37 (hg19) VCF-style: chr18-47361725-G-A.
Other names: short protein forms R1795*.
Identifiers: ClinVar variation 1386055 (VCV001386055.8), dbSNP rs377364712, ClinGen allele CA402419307.